The following is an entry in ClinVar:

NM_003190.5(TAPBP):c.1049C>T (p.Ser350Leu)

Gene: TAPBP (TAP binding protein; minus strand). Cytogenetic location: 6p21.32.
Variant type: single nucleotide variant.
Coding change: c.1049C>T on transcript NM_003190.5 (MANE Select); coding-DNA position 1049, C replaced by T.
Protein change: p.Ser350Leu; replaces serine 350 with leucine.
Molecular consequence: missense variant.
Genome position (GRCh38, 1-based): chr6:33,304,458, G>A on the plus strand (C>T on the coding strand, the complement: TAPBP is on the minus strand). VCF-style: chr6-33304458-G-A. GRCh37 (hg19) VCF-style: chr6-33272235-G-A.
Other names: c.1049C>T, p.Ser350Leu (NM_172208.3); c.788C>T, p.Ser263Leu (NM_172209.3); short protein forms S263L, S350L.
Identifiers: ClinVar variation 636341 (VCV000636341.4), dbSNP rs374308480, ClinGen allele CA3755733.
Genomic context (GRCh38, chr6:33,304,458, plus strand): 5'-GGGGGCGGCTGCAAGTGCCCAGAGAGGCTGACAGAGCCATCGGAATGGTGGCGCAGGGCC[G>A]AGAGCCACCTCTGCCCCTCGGCCTTCTGAGAGCGGCCCCCTGGGCCACCCCGGAGTTCCC-3'
Protein context (NP_003181.3, residues 340-360): SQKAEGQRWL[Ser350Leu]ALRHHSDGSV

ClinVar aggregate classification (germline): Uncertain significance (1 of 4 stars; one submission).

Conditions:
MHC class I deficiency. Identifiers: Orphanet 34592, MedGen C6024714, MONDO:0011476.

Allele frequency attached by ClinVar (database versions not stated): ExAC 0.00001; TOPMed 0.00002; gnomAD 0.00003; gnomAD exomes 0.00001; ESP Exome Variant Server 0.00008.

Submission:

Labcorp Genetics (formerly Invitae), Labcorp
Classification: Uncertain significance for MHC class I deficiency 1. Last evaluated: 2023-10-13. Review status: criteria provided, single submitter. Criteria: Invitae Variant Classification Sherloc (09022015). Collection method: clinical testing. Allele origin: germline.
Comment: This sequence change replaces serine, which is neutral and polar, with leucine, which is neutral and non-polar, at codon 350 of the TAPBP protein (p.Ser350Leu). This variant is present in population databases (rs374308480, gnomAD 0.01%). This variant has not been reported in the literature in individuals affected with TAPBP-related conditions. ClinVar contains an entry for this variant (Variation ID: 636341). An algorithm developed to predict the effect of missense changes on protein structure and function (PolyPhen-2) suggests that this variant is likely to be disruptive. In summary, the available evidence is currently insufficient to determine the role of this variant in disease. Therefore, it has been classified as a Variant of Uncertain Significance.